The following is an entry in ClinVar:

Conditions:
Breast-ovarian cancer, familial, susceptibility to, 1 (BROVCA1). Also called: BRCA1 Hereditary Breast and Ovarian Cancer; OVARIAN CANCER, SUSCEPTIBILITY TO. Identifiers: Orphanet 145, MedGen C2676676, MONDO:0011450, OMIM 604370. Disease mechanism: loss of function.

Submission:

Brotman Baty Institute, University of Washington
No classification provided (evidence only). Condition: Breast-ovarian cancer, familial 1. Review status: no classification provided. Collection method: in vitro. Allele origin: not applicable. Functional consequence: functionally_normal.
ClinVar note: "not provided" was previously submitted as the classification for the variant. However, the classification appeared to be based only on an observation of functional data so it was converted to no classification on 2025-07-30.

NM_007294.4(BRCA1):c.5214A>C (p.Gly1738=)

Gene: BRCA1 (BRCA1 DNA repair associated; minus strand). Cytogenetic location: 17q21.31.
Variant type: single nucleotide variant.
Coding change: c.5214A>C on transcript NM_007294.4 (MANE Select); coding-DNA position 5214, A replaced by C.
Protein change: p.Gly1738=; no amino-acid change (glycine 1738 retained).
Molecular consequence: synonymous variant.
Genome position (GRCh38, 1-based): chr17:43,057,115, T>G on the plus strand (A>C on the coding strand, the complement: BRCA1 is on the minus strand). VCF-style: chr17-43057115-T-G. GRCh37 (hg19) VCF-style: chr17-41209132-T-G.
Other names: c.5208A>C, p.Gly1736= (NM_001407636.1, NM_001407637.1, NM_001407638.1 and 14 more transcripts); c.5205A>C, p.Gly1735= (NM_001407644.1, NM_001407645.1); c.5202A>C, p.Gly1734= (NM_001407646.1); c.5199A>C, p.Gly1733= (NM_001407647.1); c.5157A>C, p.Gly1719= (NM_001407648.1); c.5154A>C, p.Gly1718= (NM_001407649.1); c.5136A>C, p.Gly1712= (NM_001407652.1, NM_001407653.1, NM_001407654.1 and 1 more transcripts); c.5133A>C, p.Gly1711= (NM_001407656.1, NM_001407657.1, NM_001407658.1); and 72 more.
Identifiers: ClinVar variation 865167 (VCV000865167.3), dbSNP rs2051522491, ClinGen allele CA500144811.